The following is an entry in ClinVar:

ClinVar aggregate classification (germline): Likely benign (1 of 4 stars; one submission).

Conditions:
Intellectual developmental disorder, autosomal dominant 64. Also called: MENTAL RETARDATION, AUTOSOMAL DOMINANT 64. Identifiers: MedGen C5543067, MONDO:0030934, OMIM 619188.

Allele frequency attached by ClinVar (database versions not stated): gnomAD exomes below 0.00001; TOPMed 0.00001.
gnomAD v4.1: 5 of 1,613,068 alleles (0.00031%); highest among the groups gnomAD compares: East Asian, 0.0022%; no homozygotes.

Submission:

Victorian Clinical Genetics Services, Murdoch Childrens Research Institute
Classification: Likely benign for Intellectual developmental disorder, autosomal dominant 64. Last evaluated: 2021-05-06. Review status: criteria provided, single submitter. Criteria: ACMG Guidelines, 2015. Collection method: clinical testing. Allele origin: germline. Inheritance: Autosomal dominant inheritance. Affected: yes.
Comment: Based on the classification scheme VCGS_Germline_v1.3.4, this variant is classified as likely benign. Following criteria are met: 0102 - Loss of function is a likely mechanism of disease in this gene and is associated with ZNF292-related neurodevelopmental disorder. However, the mechanism of disease associated with missense variants is currently unclear due to limited evidence (PMID: 31723249). (I) 0107 - This gene is associated with autosomal dominant disease. (I) 0200 - Variant is predicted to result in a missense amino acid change from arginine to glutamine. (I) 0251 - This variant is heterozygous. (I) 0301 - Variant is absent from gnomAD (v2 and v3). (SP) 0502 - Missense variant with conflicting in silico predictions and uninformative conservation. (I) 0600 - Variant is located in the annotated C2H2-zinc finger region (NCBI conserved domain). (I) 0705 - No comparable missense variants have previous evidence for pathogenicity. (I) 0809 - Previous evidence of pathogenicity for this variant is inconclusive. This variant was identified in a study of patients with craniosynostosis and was classified as 'tolerated' however, no justification was provided for their classification (PMID: 28808027) (I) 0905 - No published segregation evidence has been identified for this variant. (I) 1007 - No published functional evidence has been identified for this variant. (I) Legend: (SP) - Supporting pathogenic, (I) - Information, (SB) - Supporting benign

Literature cited by the submitters: PubMed 28808027; PubMed 31723249.

NM_015021.3(ZNF292):c.2312G>A (p.Arg771Gln)

Gene: ZNF292 (zinc finger protein 292; plus strand). Cytogenetic location: 6q14.3.
Variant type: single nucleotide variant.
Coding change: c.2312G>A on transcript NM_015021.3 (MANE Select); coding-DNA position 2312, G replaced by A.
Protein change: p.Arg771Gln; replaces arginine 771 with glutamine.
Molecular consequence: missense variant.
Genome position (GRCh38, 1-based): chr6:87,255,941, G>A. VCF-style: chr6-87255941-G-A. GRCh37 (hg19) VCF-style: chr6-87965659-G-A.
Other names: c.1892G>A, p.Arg631Gln (NM_001351444.2); short protein forms R631Q, R771Q.
Identifiers: ClinVar variation 1805656 (VCV001805656.2), dbSNP rs1775186548, ClinGen allele CA364912615.